The following is an entry in ClinVar:

ClinVar aggregate classification (germline): Uncertain significance. Review status: criteria provided, multiple submitters, no conflicts (2 of 4 stars). 2 submissions from 2 submitters: Uncertain significance (2). Last evaluated 2021-08-20.

Conditions:
Niemann-Pick disease, type C1. Also called: NEUROVISCERAL STORAGE DISEASE WITH VERTICAL SUPRANUCLEAR OPHTHALMOPLEGIA; NIEMANN-PICK DISEASE WITH CHOLESTEROL ESTERIFICATION BLOCK; NIEMANN-PICK DISEASE WITHOUT SPHINGOMYELINASE DEFICIENCY; NIEMANN-PICK DISEASE, CHRONIC NEURONOPATHIC FORM; NIEMANN-PICK DISEASE, VARIANT TYPE C1. Identifiers: Orphanet 646, MedGen C3179455, MONDO:0009757, OMIM 257220.

Allele frequency attached by ClinVar (database versions not stated): gnomAD exomes below 0.00001; TOPMed 0.00001; gnomAD 0.00003.
gnomAD v4.1: 9 of 1,613,972 alleles (0.00056%); highest among the groups gnomAD compares: African/African-American, 0.0053%; no homozygotes.

Submissions (2):

Labcorp Genetics (formerly Invitae), Labcorp
Classification: Uncertain significance for Niemann-Pick disease, type C1. Last evaluated: 2021-08-20. Review status: criteria provided, single submitter. Criteria: Invitae Variant Classification Sherloc (09022015). Collection method: clinical testing. Allele origin: germline.
Comment: This sequence change replaces aspartic acid with asparagine at codon 502 of the NPC1 protein (p.Asp502Asn). The aspartic acid residue is moderately conserved and there is a small physicochemical difference between aspartic acid and asparagine. This variant is not present in population databases (ExAC no frequency). This variant has not been reported in the literature in individuals affected with NPC1-related conditions. ClinVar contains an entry for this variant (Variation ID: 594222). Advanced modeling of protein sequence and biophysical properties (such as structural, functional, and spatial information, amino acid conservation, physicochemical variation, residue mobility, and thermodynamic stability) performed at Invitae indicates that this missense variant is not expected to disrupt NPC1 protein function. In summary, the available evidence is currently insufficient to determine the role of this variant in disease. Therefore, it has been classified as a Variant of Uncertain Significance.

Eurofins Ntd Llc (ga)
Classification: Uncertain significance. Last evaluated: 2017-09-26. Review status: criteria provided, single submitter. Criteria: EGL Classification Definitions 2015. Collection method: clinical testing. Allele origin: germline. Observed: 1 variant allele, 1 heterozygote.

NM_000271.5(NPC1):c.1504G>A (p.Asp502Asn)

Gene: NPC1 (NPC intracellular cholesterol transporter 1; minus strand). Cytogenetic location: 18q11.2.
Variant type: single nucleotide variant.
Coding change: c.1504G>A on transcript NM_000271.5 (MANE Select); coding-DNA position 1504, G replaced by A.
Protein change: p.Asp502Asn; replaces aspartic acid 502 with asparagine.
Molecular consequence: missense variant.
Genome position (GRCh38, 1-based): chr18:23,554,807, C>T on the plus strand (G>A on the coding strand, the complement: NPC1 is on the minus strand). VCF-style: chr18-23554807-C-T. GRCh37 (hg19) VCF-style: chr18-21134771-C-T.
Other names: short protein forms D502N.
Identifiers: ClinVar variation 594222 (VCV000594222.7), dbSNP rs1416446081, ClinGen allele CA401775490.
Genomic context (GRCh38, chr18:23,554,807, plus strand): 5'-TTGCCACTTACCGTACGCAGTACAGAAAGTGCGTGTGGTAATCGGCATACACAAAGAAGT[C>T]GTCCCCTTTCTTGTGGTCCAGCACGGAATGGCTGTTCTGGAAGTAATTTAACACACTCAA-3'
Protein context (NP_000262.2, residues 492-512): HSVLDHKKGD[Asp502Asn]FFVYADYHTH